The following is an entry in ClinVar:

NM_014317.5(PDSS1):c.1107+17A>T

Gene: PDSS1 (decaprenyl diphosphate synthase subunit 1; plus strand). Cytogenetic location: 10p12.1.
Variant type: single nucleotide variant.
Coding change: c.1107+17A>T on transcript NM_014317.5 (MANE Select); 17 bases into the intron after coding-DNA position 1107, A replaced by T.
Molecular consequence: intron variant.
Genome position (GRCh38, 1-based): chr10:26,742,594, A>T. VCF-style: chr10-26742594-A-T. GRCh37 (hg19) VCF-style: chr10-27031523-A-T.
Other names: c.597+17A>T (NM_001321979.2); c.916+17A>T (NM_001321978.2).
Identifiers: ClinVar variation 138684 (VCV000138684.10), dbSNP rs199894179, ClinGen allele CA292770.

ClinVar aggregate classification (germline): Benign/Likely benign. Review status: criteria provided, multiple submitters, no conflicts (2 of 4 stars). 3 submissions from 3 submitters: Benign (2); Likely benign (1). Last evaluated 2026-02-01.

Allele frequency attached by ClinVar (database versions not stated): ESP Exome Variant Server 0.00046; gnomAD exomes 0.00058 and 0.00111; ExAC 0.00130; gnomAD 0.00313 and 0.00325; TOPMed 0.00357; 1000 Genomes Project 30x 0.00422; 1000 Genomes Project 0.00439.
gnomAD v4.1: 1,270 of 1,494,672 alleles (0.085%); highest among the groups gnomAD compares: African/African-American, 0.97%; 2 homozygotes.

Submissions (3):

Labcorp Genetics (formerly Invitae), Labcorp
Classification: Benign. Last evaluated: 2026-02-01. Review status: criteria provided, single submitter. Criteria: Invitae Variant Classification Sherloc (09022015). Collection method: clinical testing. Allele origin: germline.

Blueprint Genetics
Classification: Likely benign. Last evaluated: 2024-11-25. Review status: criteria provided, single submitter. Criteria: ACMG Guidelines, 2015. Collection method: clinical testing. Allele origin: germline.

GeneDx
Classification: Benign. Last evaluated: 2014-04-09. Review status: criteria provided, single submitter. Criteria: GeneDx Variant Classification (06012015). Collection method: clinical testing. Allele origin: germline. Affected: yes.
Comment: This variant is considered likely benign or benign based on one or more of the following criteria: it is a conservative change, it occurs at a poorly conserved position in the protein, it is predicted to be benign by multiple in silico algorithms, and/or has population frequency not consistent with disease.